The following is an entry in ClinVar:

ClinVar aggregate classification (germline): Pathogenic/Likely pathogenic. Review status: criteria provided, multiple submitters, no conflicts (2 of 4 stars). 3 submissions from 3 submitters: Pathogenic (1); Likely pathogenic (2). Last evaluated 2024-05-01.

Conditions:
Brain-lung-thyroid syndrome. Also called: Choreoathetosis, congenital hypothyroidism, and neonatal respiratory distress; Choreoathetosis, Congenital Hypothyroidism, and Neonatal Respiratory Distress Syndrome (Brain-Lung-Thyroid Syndrome); CHOREOATHETOSIS AND CONGENITAL HYPOTHYROIDISM WITH PULMONARY DYSFUNCTION. Identifiers: Orphanet 209905, MedGen C1970269, MONDO:0012593, OMIM 610978.

Submissions (3):

CeGaT Center for Human Genetics Tuebingen
Classification: Likely pathogenic. Last evaluated: 2024-05-01. Review status: criteria provided, single submitter. Criteria: CeGaT Center For Human Genetics Tuebingen Variant Classification Criteria Version 2. Collection method: clinical testing. Allele origin: germline. Affected: yes. Observed: 2 variant alleles.
Comment: NKX2-1: PVS1:Strong, PM2, PS4:Supporting

Labcorp Genetics (formerly Invitae), Labcorp
Classification: Pathogenic. Last evaluated: 2021-04-13. Review status: criteria provided, single submitter. Criteria: Invitae Variant Classification Sherloc (09022015). Collection method: clinical testing. Allele origin: germline.
Comment: For these reasons, this variant has been classified as Pathogenic. This variant disrupts the p.Arg243 amino acid residue in NKX2-1. Other variant(s) that disrupt this residue have been determined to be pathogenic (PMID: 11971878, 28732825, 26640963, 22832740, Invitae). This suggests that this residue is clinically significant, and that variants that disrupt this residue are likely to be disease-causing. This variant has been observed in individual(s) with a NKX2-1 related condition (PMID: 28732825, Invitae). ClinVar contains an entry for this variant (Variation ID: 803016). This variant is not present in population databases (ExAC no frequency). This sequence change creates a premature translational stop signal (p.Trp238*) in the NKX2-1 gene. While this is not anticipated to result in nonsense mediated decay, it is expected to disrupt the last 164 amino acid(s) of the NKX2-1 protein.

Mendelics
Classification: Likely pathogenic for Brain-lung-thyroid syndrome. Last evaluated: 2019-05-28. Review status: criteria provided, single submitter. Criteria: Mendelics Assertion Criteria 2017. Collection method: clinical testing. Allele origin: unknown.

Literature cited by the submitters: PubMed 11971878 (cited by Labcorp Genetics (formerly Invitae), Labcorp); PubMed 28732825 (cited by Labcorp Genetics (formerly Invitae), Labcorp); PubMed 26640963 (cited by Labcorp Genetics (formerly Invitae), Labcorp); PubMed 22832740 (cited by Labcorp Genetics (formerly Invitae), Labcorp).

NM_001079668.3(NKX2-1):c.714G>A (p.Trp238Ter)

Genes: NKX2-1 (NK2 homeobox 1; minus strand), SFTA3 (surfactant associated 3; minus strand). Cytogenetic location: 14q13.3.
Variant type: single nucleotide variant.
Coding change: c.714G>A on transcript NM_001079668.3 (MANE Select); coding-DNA position 714, G replaced by A.
Protein change: p.Trp238Ter; replaces tryptophan 238 with a stop codon.
Molecular consequence: nonsense.
Genome position (GRCh38, 1-based): chr14:36,517,770, C>T on the plus strand (G>A on the coding strand, the complement: NKX2-1 is on the minus strand). VCF-style: chr14-36517770-C-T. GRCh37 (hg19) VCF-style: chr14-36986975-C-T.
Other names: c.624G>A, p.Trp208Ter (NM_003317.4); short protein forms W238*, W208*.
Identifiers: ClinVar variation 803016 (VCV000803016.29), dbSNP rs1594403990, ClinGen allele CA389459212.
Genomic context (GRCh38, chr14:36,517,770, plus strand): 5'-TTGCTGCTGCGCCGCCTTGTCCTTGGCCTGGCGCTTCATTTTGTAGCGGTGGTTCTGGAA[C>T]CAGATCTTGACCTGCGTGGGCGTCAGGTGGATCATGCTGGCCAGGTGCTCGCGCTCCGGC-3'